The following is an entry in ClinVar:

NM_013247.5(HTRA2):c.899C>T (p.Ala300Val)

Gene: HTRA2 (HtrA serine peptidase 2; plus strand). Cytogenetic location: 2p13.1.
Variant type: single nucleotide variant.
Coding change: c.899C>T on transcript NM_013247.5 (MANE Select); coding-DNA position 899, C replaced by T.
Protein change: p.Ala300Val; replaces alanine 300 with valine.
Molecular consequence: missense variant. On other transcripts: non-coding transcript variant (4), intron variant (1).
Genome position (GRCh38, 1-based): chr2:74,531,098, C>T. VCF-style: chr2-74531098-C-T. GRCh37 (hg19) VCF-style: chr2-74758225-C-T.
Other names: c.899C>T, p.Ala300Val (NM_001321727.1, NM_001321728.1); c.712-241C>T (NM_145074.2); short protein forms A300V.
Identifiers: ClinVar variation 1420641 (VCV001420641.8), dbSNP rs2104371156, ClinGen allele CA347380533.
Genomic context (GRCh38, chr2:74,531,098, plus strand): 5'-GTCCAGCCAGAGACCTGGGACTCCCCCAAACCAATGTGGAATACATTCAAACTGATGCAG[C>T]TATTGATGTGCGTCCTGATAGGAGAGAAATGACAAATGATGGGGGAGGGGGGAGAGGCTG-3'
Protein context (NP_037379.1, residues 290-310): TNVEYIQTDA[Ala300Val]IDFGNSGGPL

ClinVar aggregate classification (germline): Uncertain significance (1 of 4 stars; one submission).

Submission:

Labcorp Genetics (formerly Invitae), Labcorp
Classification: Uncertain significance. Last evaluated: 2021-06-05. Review status: criteria provided, single submitter. Criteria: Invitae Variant Classification Sherloc (09022015). Collection method: clinical testing. Allele origin: germline.
Comment: In summary, the available evidence is currently insufficient to determine the role of this variant in disease. Therefore, it has been classified as a Variant of Uncertain Significance. Algorithms developed to predict the effect of missense changes on protein structure and function are either unavailable or do not agree on the potential impact of this missense change (SIFT: "Tolerated"; PolyPhen-2: "Probably Damaging"; Align-GVGD: "Class C0"). This variant has not been reported in the literature in individuals with HTRA2-related conditions. This variant is not present in population databases (ExAC no frequency). This sequence change replaces alanine with valine at codon 300 of the HTRA2 protein (p.Ala300Val). The alanine residue is highly conserved and there is a small physicochemical difference between alanine and valine.